The following is an entry in ClinVar:

NM_006393.3(NEBL):c.2148+1G>A

Genes: NEBL (nebulette; minus strand), LOC126860875 (MED14-independent group 3 enhancer GRCh37_chr10:21105746-21106945; plus strand). Cytogenetic location: 10p12.31.
Variant type: single nucleotide variant.
Coding change: c.2148+1G>A on transcript NM_006393.3 (MANE Select); the canonical splice donor site of the intron after coding-DNA position 2148, G replaced by A.
Molecular consequence: splice donor variant. On other transcripts: intron variant (9).
Genome position (GRCh38, 1-based): chr10:20,817,599, C>T on the plus strand (G>A on the coding strand, the complement: NEBL is on the minus strand). VCF-style: chr10-20817599-C-T. GRCh37 (hg19) VCF-style: chr10-21106528-C-T.
Other names: c.250-4659G>A (NM_001377326.1, NM_001377327.1, NM_001377328.1); c.358-4659G>A (NM_213569.2, NM_001173484.2, NM_001377322.1); c.301-4659G>A (NM_001377324.1); c.292-4659G>A (NM_001377325.1); c.310-4659G>A (NM_001377323.1).
Identifiers: ClinVar variation 1441531 (VCV001441531.8), dbSNP rs762179161, ClinGen allele CA376094021.

ClinVar aggregate classification (germline): Uncertain significance (1 of 4 stars; one submission).

Conditions:
Primary dilated cardiomyopathy (DCM). Also called: Dilated Cardiomyopathy. Identifiers: Orphanet 217604, MedGen C0007193, MeSH D002311, MONDO:0005021, HP:0001644. Inheritance: Various modes of inheritance.

Allele frequency attached by ClinVar (database versions not stated): gnomAD 0.00002 and 0.00003; TOPMed 0.00009.
gnomAD v4.1: 13 of 1,607,292 alleles (0.00081%); highest among the groups gnomAD compares: Admixed American, 0.017%; no homozygotes.

Submission:

Labcorp Genetics (formerly Invitae), Labcorp
Classification: Uncertain significance for Primary dilated cardiomyopathy. Last evaluated: 2023-06-28. Review status: criteria provided, single submitter. Criteria: Invitae Variant Classification Sherloc (09022015). Collection method: clinical testing. Allele origin: germline.
Comment: This variant is present in population databases (no rsID available, gnomAD 0.003%). In summary, the available evidence is currently insufficient to determine the role of this variant in disease. Therefore, it has been classified as a Variant of Uncertain Significance. ClinVar contains an entry for this variant (Variation ID: 1441531). Disruption of this splice site has been observed in individual(s) with sudden infant death syndrome (PMID: 29544605). This sequence change affects a donor splice site in intron 21 of the NEBL gene. It is expected to disrupt RNA splicing. Variants that disrupt the donor or acceptor splice site typically lead to a loss of protein function (PMID: 16199547), however the current clinical and genetic evidence is not sufficient to establish whether loss-of-function variants in NEBL cause disease.

Literature cited by the submitters: PubMed 29544605; PubMed 16199547.